The following is an entry in ClinVar:

NM_000620.5(NOS1):c.2532-2213G>A

Gene: NOS1 (nitric oxide synthase 1; minus strand). Cytogenetic location: 12q24.22.
Variant type: single nucleotide variant.
Coding change: c.2532-2213G>A on transcript NM_000620.5 (MANE Select); 2213 bases into the intron before coding-DNA position 2532, G replaced by A.
Molecular consequence: intron variant. On other transcripts: missense variant (1).
Genome position (GRCh38, 1-based): chr12:117,255,967, C>T on the plus strand (G>A on the coding strand, the complement: NOS1 is on the minus strand). VCF-style: chr12-117255967-C-T. GRCh37 (hg19) VCF-style: chr12-117693772-C-T.
Other names: c.2602G>A, p.Gly868Ser (NM_001204218.2); c.1524-2213G>A (NM_001204214.2, NM_001204213.2); short protein forms G868S.
Identifiers: ClinVar variation 4983060 (VCV004983060.1).
Genomic context (GRCh38, chr12:117,255,967, plus strand): 5'-ACCTGCGTGTACACACATGCACACTCTACCTGTGCTGGCTGTCACGGGCTGCAGCCAGAC[C>T]GTGGACTTCTGTGTCACCATTGGGGAGGGGAGGCCCTTTACGGGGAAAGAAACGCAAGGG-3'

ClinVar aggregate classification (germline): Likely benign (1 of 4 stars; one submission).

Conditions:
NOS1-related disorder. Also called: NOS1-related condition.

gnomAD v4.1: 319 of 1,488,598 alleles (0.021%); highest among the groups gnomAD compares: South Asian, 0.22%; no homozygotes.

Submission:

PreventionGenetics, part of Exact Sciences
Classification: Likely benign for NOS1-related condition. Last evaluated: 2024-11-25. Review status: criteria provided, single submitter. Criteria: ACMG Guidelines, 2015. Collection method: clinical testing. Allele origin: germline.
Comment: This variant is classified as likely benign based on ACMG/AMP sequence variant interpretation guidelines (Richards et al. 2015 PMID: 25741868, with internal and published modifications).